The following is an entry in ClinVar:

NM_000234.3(LIG1):c.956T>C (p.Val319Ala)

Gene: LIG1 (DNA ligase 1; minus strand). Cytogenetic location: 19q13.33.
Variant type: single nucleotide variant.
Coding change: c.956T>C on transcript NM_000234.3 (MANE Select); coding-DNA position 956, T replaced by C.
Protein change: p.Val319Ala; replaces valine 319 with alanine.
Molecular consequence: missense variant. On other transcripts: non-coding transcript variant (6).
Genome position (GRCh38, 1-based): chr19:48,140,102, A>G on the plus strand (T>C on the coding strand, the complement: LIG1 is on the minus strand). VCF-style: chr19-48140102-A-G. GRCh37 (hg19) VCF-style: chr19-48643359-A-G.
Other names: c.863T>C, p.Val288Ala (NM_001289063.2); c.752T>C, p.Val251Ala (NM_001289064.2); c.953T>C, p.Val318Ala (NM_001320970.2); c.866T>C, p.Val289Ala (NM_001320971.2); short protein forms V251A, V319A, V289A, V288A, V318A.
Identifiers: ClinVar variation 1409719 (VCV001409719.5), dbSNP rs1054393447, ClinGen allele CA309299189.

ClinVar aggregate classification (germline): Uncertain significance (1 of 4 stars; one submission).

Allele frequency attached by ClinVar (database versions not stated): gnomAD exomes 0.00002 and 0.00005; gnomAD 0.00003 and 0.00004; TOPMed 0.00003.
gnomAD v4.1: 76 of 1,613,642 alleles (0.0047%); highest among the groups gnomAD compares: Non-Finnish European, 0.0061%; no homozygotes.

Submission:

Labcorp Genetics (formerly Invitae), Labcorp
Classification: Uncertain significance. Last evaluated: 2022-07-12. Review status: criteria provided, single submitter. Criteria: Invitae Variant Classification Sherloc (09022015). Collection method: clinical testing. Allele origin: germline.
Comment: This sequence change replaces valine, which is neutral and non-polar, with alanine, which is neutral and non-polar, at codon 319 of the LIG1 protein (p.Val319Ala). This variant is present in population databases (no rsID available, gnomAD 0.006%). This variant has not been reported in the literature in individuals affected with LIG1-related conditions. ClinVar contains an entry for this variant (Variation ID: 1409719). Algorithms developed to predict the effect of missense changes on protein structure and function (SIFT, PolyPhen-2, Align-GVGD) all suggest that this variant is likely to be disruptive. In summary, the available evidence is currently insufficient to determine the role of this variant in disease. Therefore, it has been classified as a Variant of Uncertain Significance.